The following is an entry in ClinVar:

ClinVar aggregate classification (germline): Uncertain significance (1 of 4 stars; one submission).

Conditions:
Fibrous dysplasia of jaw (CRBM). Also called: Cherubism. Identifiers: Orphanet 184, MedGen C0008029, MONDO:0007315, OMIM 118400.

gnomAD v4.1: 17 of 1,613,558 alleles (0.0011%); highest among the groups gnomAD compares: South Asian, 0.018%; no homozygotes.

Submission:

Labcorp Genetics (formerly Invitae), Labcorp
Classification: Uncertain significance for Fibrous dysplasia of jaw. Last evaluated: 2026-01-06. Review status: criteria provided, single submitter. Criteria: Invitae Variant Classification Sherloc (09022015). Collection method: clinical testing. Allele origin: germline.
Comment: This sequence change replaces proline, which is neutral and non-polar, with glutamine, which is neutral and polar, at codon 344 of the SH3BP2 protein (p.Pro344Gln). This variant is present in population databases (rs766872713, gnomAD 0.01%). This variant has not been reported in the literature in individuals affected with SH3BP2-related conditions. ClinVar contains an entry for this variant (Variation ID: 3615954). Invitae Evidence Modeling of protein sequence and biophysical properties (such as structural, functional, and spatial information, amino acid conservation, physicochemical variation, residue mobility, and thermodynamic stability) indicates that this missense variant is not expected to disrupt SH3BP2 protein function with a negative predictive value of 95%. In summary, the available evidence is currently insufficient to determine the role of this variant in disease. Therefore, it has been classified as a Variant of Uncertain Significance.

NM_001122681.2(SH3BP2):c.1031C>A (p.Pro344Gln)

Gene: SH3BP2 (SH3 domain binding protein 2; plus strand). Cytogenetic location: 4p16.3.
Variant type: single nucleotide variant.
Coding change: c.1031C>A on transcript NM_001122681.2 (MANE Select); coding-DNA position 1031, C replaced by A.
Protein change: p.Pro344Gln; replaces proline 344 with glutamine.
Molecular consequence: missense variant.
Genome position (GRCh38, 1-based): chr4:2,829,937, C>A. VCF-style: chr4-2829937-C-A. GRCh37 (hg19) VCF-style: chr4-2831664-C-A.
Other names: c.1115C>A, p.Pro372Gln (NM_001145855.2); c.1202C>A, p.Pro401Gln (NM_001145856.2); c.1031C>A, p.Pro344Gln (NM_003023.4); short protein forms P344Q, P372Q, P401Q.
Identifiers: ClinVar variation 3615954 (VCV003615954.2).